The following is an entry in ClinVar:

ClinVar aggregate classification (germline): Uncertain significance. Review status: criteria provided, multiple submitters, no conflicts (2 of 4 stars). 3 submissions from 3 submitters: Uncertain significance (3). Last evaluated 2026-07-26.

Conditions:
Cardiovascular phenotype. Identifiers: MedGen CN230736.

Allele frequency attached by ClinVar (database versions not stated): ExAC 0.00002.
gnomAD v4.1: 18 of 1,614,090 alleles (0.0011%); highest among the groups gnomAD compares: South Asian, 0.016%; no homozygotes.

Submissions (3):

Ambry Genetics
Classification: Uncertain significance for Cardiovascular phenotype. Last evaluated: 2026-07-26. Review status: criteria provided, single submitter. Criteria: Ambry Variant Classification Scheme 2023. Collection method: clinical testing. Allele origin: germline.
Comment: The p.G964V variant (also known as c.2891G>T), located in coding exon 6 of the ALPK3 gene, results from a G to T substitution at nucleotide position 2891. The glycine at codon 964 is replaced by valine, an amino acid with dissimilar properties. This amino acid position is conserved. In addition, this alteration is predicted to be tolerated by in silico analysis. Based on the available evidence, the clinical significance of this variant remains unclear.

Labcorp Genetics (formerly Invitae), Labcorp
Classification: Uncertain significance. Last evaluated: 2025-11-27. Review status: criteria provided, single submitter. Criteria: Invitae Variant Classification Sherloc (09022015). Collection method: clinical testing. Allele origin: germline.
Comment: This sequence change replaces glycine, which is neutral and non-polar, with valine, which is neutral and non-polar, at codon 964 of the ALPK3 protein (p.Gly964Val). This variant is present in population databases (rs267604353, gnomAD 0.01%). This variant has not been reported in the literature in individuals affected with ALPK3-related conditions. ClinVar contains an entry for this variant (Variation ID: 2398174). Invitae Evidence Modeling of protein sequence and biophysical properties (such as structural, functional, and spatial information, amino acid conservation, physicochemical variation, residue mobility, and thermodynamic stability) indicates that this missense variant is not expected to disrupt ALPK3 protein function with a negative predictive value of 80%. In summary, the available evidence is currently insufficient to determine the role of this variant in disease. Therefore, it has been classified as a Variant of Uncertain Significance.

GeneDx
Classification: Uncertain significance. Last evaluated: 2022-12-07. Review status: criteria provided, single submitter. Criteria: GeneDx Variant Classification Process June 2021. Collection method: clinical testing. Allele origin: germline. Affected: yes.
Comment: Has not been previously published as pathogenic or benign to our knowledge; In silico analysis supports that this missense variant does not alter protein structure/function

NM_020778.5(ALPK3):c.2285G>T (p.Gly762Val)

Gene: ALPK3 (alpha kinase 3; plus strand). Cytogenetic location: 15q25.3.
Variant type: single nucleotide variant.
Coding change: c.2285G>T on transcript NM_020778.5 (MANE Select); coding-DNA position 2285, G replaced by T.
Protein change: p.Gly762Val; replaces glycine 762 with valine.
Molecular consequence: missense variant.
Genome position (GRCh38, 1-based): chr15:84,857,023, G>T. VCF-style: chr15-84857023-G-T. GRCh37 (hg19) VCF-style: chr15-85400254-G-T.
Other names: short protein forms G762V.
Identifiers: ClinVar variation 2398174 (VCV002398174.7), dbSNP rs267604353, ClinGen allele CA7709380.